The following is an entry in ClinVar:

ClinVar aggregate classification (germline): Benign. Review status: criteria provided, single submitter (1 of 4 stars). 2 submissions from 2 submitters: Benign (1). 1 of the submissions does not count toward it. Last evaluated 2020-12-01.

Conditions:
TRIO-related disorder. Also called: TRIO-related disorders; TRIO-related condition.

Allele frequency attached by ClinVar (database versions not stated): gnomAD exomes 0.00007 and 0.00016; 1000 Genomes Project 30x 0.00016; 1000 Genomes Project 0.00020; ExAC 0.00020; ESP Exome Variant Server 0.00062; gnomAD 0.00078 and 0.00089; TOPMed 0.00080.
gnomAD v4.1: 220 of 1,613,696 alleles (0.014%); highest among the groups gnomAD compares: African/African-American, 0.25%; 1 homozygote.

Submissions (2):

GeneDx
Classification: Benign. Last evaluated: 2020-12-01. Review status: criteria provided, single submitter. Criteria: GeneDx Variant Classification Process June 2021. Collection method: clinical testing. Allele origin: germline. Affected: yes.

PreventionGenetics, part of Exact Sciences
Classification: Likely benign for TRIO-related condition. Last evaluated: 2023-12-13. Review status: no assertion criteria provided. Collection method: clinical testing. Allele origin: germline. Not counted in ClinVar's aggregate classification.
Comment: This variant is classified as likely benign based on ACMG/AMP sequence variant interpretation guidelines (Richards et al. 2015 PMID: 25741868, with internal and published modifications).

NM_007118.4(TRIO):c.8211-5C>T

Genes: TRIO (trio Rho guanine nucleotide exchange factor; plus strand), LOC126807323 (CDK7 strongly-dependent group 2 enhancer GRCh37_chr5:14497716-14498915; plus strand). Cytogenetic location: 5p15.2.
Variant type: single nucleotide variant.
Coding change: c.8211-5C>T on transcript NM_007118.4 (MANE Select); 5 bases into the intron before coding-DNA position 8211, C replaced by T.
Molecular consequence: intron variant.
Genome position (GRCh38, 1-based): chr5:14,498,514, C>T. VCF-style: chr5-14498514-C-T. GRCh37 (hg19) VCF-style: chr5-14498623-C-T.
Other names: c.8211-5C>T (NM_007118.3).
Identifiers: ClinVar variation 1227080 (VCV001227080.5), dbSNP rs200548316, ClinGen allele CA3207792.